The following is an entry in ClinVar:

NM_005826.5(HNRNPR):c.922C>T (p.Arg308Trp)

Gene: HNRNPR (heterogeneous nuclear ribonucleoprotein R; minus strand). Cytogenetic location: 1p36.12.
Variant type: single nucleotide variant.
Coding change: c.922C>T on transcript NM_005826.5 (MANE Select); coding-DNA position 922, C replaced by T.
Protein change: p.Arg308Trp; replaces arginine 308 with tryptophan.
Molecular consequence: missense variant.
Genome position (GRCh38, 1-based): chr1:23,318,578, G>A on the plus strand (C>T on the coding strand, the complement: HNRNPR is on the minus strand). VCF-style: chr1-23318578-G-A. GRCh37 (hg19) VCF-style: chr1-23645071-G-A.
Other names: c.619C>T, p.Arg207Trp (NM_001102397.3); c.931C>T, p.Arg311Trp (NM_001102398.3); c.628C>T, p.Arg210Trp (NM_001102399.3); c.808C>T, p.Arg270Trp (NM_001297620.2); c.442C>T, p.Arg148Trp (NM_001297621.2); c.505C>T, p.Arg169Trp (NM_001297622.2); short protein forms R148W, R169W, R207W, R210W, R270W, R308W, R311W.
Identifiers: ClinVar variation 3391650 (VCV003391650.1).
Genomic context (GRCh38, chr1:23,318,578, plus strand): 5'-GGTCAGCCCATTCAACTGTAACTACATTTCCCCACACTTTTACTTTTCCACTCATCAGCC[G>A]GCGTCTGGCTTGTGCTGCTGACTTGTGATCCTCATATTCAAGGAAGCAGAACCCCCGATT-3'
Protein context (NP_005817.1, residues 298-318): DHKSAAQARR[Arg308Trp]LMSGKVKVWG

ClinVar aggregate classification (germline): Uncertain significance (1 of 4 stars; one submission).

gnomAD v4.1: 1 of 1,614,100 alleles (0.000062%); highest among the groups gnomAD compares: Non-Finnish European, 0.000085%; no homozygotes.

Submission:

GeneDx
Classification: Uncertain significance. Last evaluated: 2024-06-18. Review status: criteria provided, single submitter. Criteria: GeneDx Variant Classification Process June 2021. Collection method: clinical testing. Allele origin: germline. Affected: yes.
Comment: Not observed at significant frequency in large population cohorts (gnomAD); In silico analysis supports that this missense variant has a deleterious effect on protein structure/function; Has not been previously published as pathogenic or benign to our knowledge